The following is an entry in ClinVar:

ClinVar aggregate classification (germline): Uncertain significance (1 of 4 stars; one submission).

gnomAD v4.1: 1 of 1,612,078 alleles (0.000062%); highest among the groups gnomAD compares: African/African-American, 0.0013%; no homozygotes.

Submission:

GeneDx
Classification: Uncertain significance. Last evaluated: 2025-10-24. Review status: criteria provided, single submitter. Criteria: GeneDx Variant Classification Process June 2021. Collection method: clinical testing. Allele origin: germline.
Comment: Not observed at significant frequency in large population cohorts (gnomAD); In silico analysis supports that this missense variant has a deleterious effect on protein structure/function; Has not been previously published as pathogenic or benign to our knowledge

NM_001042424.3(NSD2):c.3255G>T (p.Lys1085Asn)

Gene: NSD2 (nuclear receptor binding SET domain protein 2; plus strand). Cytogenetic location: 4p16.3.
Variant type: single nucleotide variant.
Coding change: c.3255G>T on transcript NM_001042424.3 (MANE Select); coding-DNA position 3255, G replaced by T.
Protein change: p.Lys1085Asn; replaces lysine 1085 with asparagine.
Molecular consequence: missense variant.
Genome position (GRCh38, 1-based): chr4:1,959,740, G>T. VCF-style: chr4-1959740-G-T. GRCh37 (hg19) VCF-style: chr4-1961467-G-T.
Other names: c.3255G>T, p.Lys1085Asn (NM_133330.3, NM_133331.3, NM_133335.4); short protein forms K1085N.
Identifiers: ClinVar variation 3384308 (VCV003384308.2).